The following is an entry in ClinVar:

NM_019892.6(INPP5E):c.610G>T (p.Asp204Tyr)

Gene: INPP5E (inositol polyphosphate-5-phosphatase E; minus strand). Cytogenetic location: 9q34.3.
Variant type: single nucleotide variant.
Coding change: c.610G>T on transcript NM_019892.6 (MANE Select); coding-DNA position 610, G replaced by T.
Protein change: p.Asp204Tyr; replaces aspartic acid 204 with tyrosine.
Molecular consequence: missense variant.
Genome position (GRCh38, 1-based): chr9:136,438,810, C>A on the plus strand (G>T on the coding strand, the complement: INPP5E is on the minus strand). VCF-style: chr9-136438810-C-A. GRCh37 (hg19) VCF-style: chr9-139333262-C-A.
Other names: c.610G>T, p.Asp204Tyr (NM_001318502.2); short protein forms D204Y.
Identifiers: ClinVar variation 2198613 (VCV002198613.4), dbSNP rs768542252, ClinGen allele CA375568205.

ClinVar aggregate classification (germline): Uncertain significance (1 of 4 stars; one submission).

Conditions:
Joubert syndrome. Also called: CEREBELLOPARENCHYMAL DISORDER IV; JOUBERT-BOLTSHAUSER SYNDROME; Familial aplasia of the vermis. Identifiers: Orphanet 475, MedGen C5979921, MONDO:0018772.

gnomAD v4.1: 3 of 1,612,008 alleles (0.00019%); highest among the groups gnomAD compares: Admixed American, 0.0017%; no homozygotes.

Submission:

Labcorp Genetics (formerly Invitae), Labcorp
Classification: Uncertain significance for Joubert syndrome. Last evaluated: 2024-09-16. Review status: criteria provided, single submitter. Criteria: Invitae Variant Classification Sherloc (09022015). Collection method: clinical testing. Allele origin: germline.
Comment: This sequence change replaces aspartic acid, which is acidic and polar, with tyrosine, which is neutral and polar, at codon 204 of the INPP5E protein (p.Asp204Tyr). The frequency data for this variant in the population databases is considered unreliable, as metrics indicate poor data quality at this position in the gnomAD database. This variant has not been reported in the literature in individuals affected with INPP5E-related conditions. ClinVar contains an entry for this variant (Variation ID: 2198613). Invitae Evidence Modeling of protein sequence and biophysical properties (such as structural, functional, and spatial information, amino acid conservation, physicochemical variation, residue mobility, and thermodynamic stability) has been performed for this missense variant. However, the output from this modeling did not meet the statistical confidence thresholds required to predict the impact of this variant on INPP5E protein function. In summary, the available evidence is currently insufficient to determine the role of this variant in disease. Therefore, it has been classified as a Variant of Uncertain Significance.